The following is an entry in ClinVar:

NM_001378778.1(MPDZ):c.5231+4T>G

Gene: MPDZ (multiple PDZ domain crumbs cell polarity complex component; minus strand). Cytogenetic location: 9p23.
Variant type: single nucleotide variant.
Coding change: c.5231+4T>G on transcript NM_001378778.1 (MANE Select); 4 bases into the intron after coding-DNA position 5231, T replaced by G.
Molecular consequence: intron variant.
Genome position (GRCh38, 1-based): chr9:13,121,735, A>C on the plus strand (T>G on the coding strand, the complement: MPDZ is on the minus strand). VCF-style: chr9-13121735-A-C. GRCh37 (hg19) VCF-style: chr9-13121734-A-C.
Other names: c.5021+4T>G (NM_001375425.1, NM_001375420.1, NM_001375423.1 and 4 more transcripts); c.5132+4T>G (NM_001375419.1, NM_001375416.1, NM_001375418.1 and 3 more transcripts); c.5231+4T>G (NM_001330637.2, NM_003829.5); c.4823+4T>G (NM_001375427.1); c.5330+4T>G (NM_001375413.1).
Identifiers: ClinVar variation 1062653 (VCV001062653.27), dbSNP rs199870788, ClinGen allele CA4986397.

ClinVar aggregate classification (germline): Conflicting classifications of pathogenicity. Review status: criteria provided, conflicting classifications (1 of 4 stars). 3 submissions from 3 submitters: Uncertain significance (1); Likely benign (2). Last evaluated 2024-11-18.

Allele frequency attached by ClinVar (database versions not stated): 1000 Genomes Project 30x 0.00031; 1000 Genomes Project 0.00040; gnomAD 0.00063 and 0.00071; gnomAD exomes 0.00063 and 0.00096; TOPMed 0.00086; ExAC 0.00102; ESP Exome Variant Server 0.00107.
gnomAD v4.1: 1,072 of 1,613,736 alleles (0.066%); highest among the groups gnomAD compares: Middle Eastern, 0.64%; 8 homozygotes.

Submissions (3):

Blueprint Genetics
Classification: Likely benign. Last evaluated: 2024-11-18. Review status: criteria provided, single submitter. Criteria: ACMG Guidelines, 2015. Collection method: clinical testing. Allele origin: germline.

CeGaT Center for Human Genetics Tuebingen
Classification: Likely benign. Last evaluated: 2024-03-01. Review status: criteria provided, single submitter. Criteria: CeGaT Center For Human Genetics Tuebingen Variant Classification Criteria Version 2. Collection method: clinical testing. Allele origin: germline. Affected: yes. Observed: 2 variant alleles.
Comment: MPDZ: BP4

Labcorp Genetics (formerly Invitae), Labcorp
Classification: Uncertain significance. Last evaluated: 2022-10-24. Review status: criteria provided, single submitter. Criteria: Invitae Variant Classification Sherloc (09022015). Collection method: clinical testing. Allele origin: germline.
Comment: This sequence change falls in intron 38 of the MPDZ gene. It does not directly change the encoded amino acid sequence of the MPDZ protein. It affects a nucleotide within the consensus splice site. This variant is present in population databases (rs199870788, gnomAD 0.1%), and has an allele count higher than expected for a pathogenic variant. This variant has not been reported in the literature in individuals affected with MPDZ-related conditions. ClinVar contains an entry for this variant (Variation ID: 1062653). Variants that disrupt the consensus splice site are a relatively common cause of aberrant splicing (PMID: 17576681, 9536098). Algorithms developed to predict the effect of sequence changes on RNA splicing suggest that this variant is not likely to affect RNA splicing. In summary, the available evidence is currently insufficient to determine the role of this variant in disease. Therefore, it has been classified as a Variant of Uncertain Significance.

Literature cited by the submitters: PubMed 17576681 (cited by Labcorp Genetics (formerly Invitae), Labcorp); PubMed 9536098 (cited by Labcorp Genetics (formerly Invitae), Labcorp).